The following is an entry in ClinVar:

ClinVar aggregate classification (germline): Uncertain significance. Review status: criteria provided, multiple submitters, no conflicts (2 of 4 stars). 2 submissions from 2 submitters: Uncertain significance (2). Last evaluated 2025-03-05.

Conditions:
Myopathy, proximal, and ophthalmoplegia (CMYO6). Also called: MYOPATHY WITH CONGENITAL JOINT CONTRACTURES, OPHTHALMOPLEGIA, AND RIMMED VACUOLES; INCLUSION BODY MYOPATHY 3, AUTOSOMAL DOMINANT; CONGENITAL MYOPATHY 6 WITH OPHTHALMOPLEGIA. Identifiers: Orphanet 363677, Orphanet 79091, MedGen C1854106, MONDO:0011577, OMIM 605637.

Allele frequency attached by ClinVar (database versions not stated): 1000 Genomes Project 0.00020; 1000 Genomes Project 30x 0.00031.
gnomAD v4.1: 6 of 1,614,156 alleles (0.00037%); highest among the groups gnomAD compares: Admixed American, 0.01%; no homozygotes.

Submissions (2):

Labcorp Genetics (formerly Invitae), Labcorp
Classification: Uncertain significance for Myopathy, proximal, and ophthalmoplegia. Last evaluated: 2025-03-05. Review status: criteria provided, single submitter. Criteria: Invitae Variant Classification Sherloc (09022015). Collection method: clinical testing. Allele origin: germline.
Comment: This sequence change replaces threonine, which is neutral and polar, with serine, which is neutral and polar, at codon 1724 of the MYH2 protein (p.Thr1724Ser). This variant is present in population databases (rs202050465, gnomAD 0.003%). This variant has not been reported in the literature in individuals affected with MYH2-related conditions. ClinVar contains an entry for this variant (Variation ID: 944178). Invitae Evidence Modeling of protein sequence and biophysical properties (such as structural, functional, and spatial information, amino acid conservation, physicochemical variation, residue mobility, and thermodynamic stability) indicates that this missense variant is not expected to disrupt MYH2 protein function with a negative predictive value of 80%. In summary, the available evidence is currently insufficient to determine the role of this variant in disease. Therefore, it has been classified as a Variant of Uncertain Significance.

GeneDx
Classification: Uncertain significance. Last evaluated: 2022-08-03. Review status: criteria provided, single submitter. Criteria: GeneDx Variant Classification Process June 2021. Collection method: clinical testing. Allele origin: germline. Affected: yes.
Comment: Not observed at significant frequency in large population cohorts (gnomAD); In silico analysis supports that this missense variant does not alter protein structure/function; Has not been previously published as pathogenic or benign to our knowledge

NM_017534.6(MYH2):c.5171C>G (p.Thr1724Ser)

Genes: MYHAS (myosin heavy chain gene cluster antisense RNA; plus strand), MYH2 (myosin heavy chain 2; minus strand). Cytogenetic location: 17p13.1.
Variant type: single nucleotide variant.
Coding change: c.5171C>G on transcript NM_017534.6 (MANE Select); coding-DNA position 5171, C replaced by G.
Protein change: p.Thr1724Ser; replaces threonine 1724 with serine.
Molecular consequence: missense variant.
Genome position (GRCh38, 1-based): chr17:10,524,470, G>C on the plus strand (C>G on the coding strand, the complement: MYH2 is on the minus strand). VCF-style: chr17-10524470-G-C. GRCh37 (hg19) VCF-style: chr17-10427787-G-C.
Other names: c.5171C>G, p.Thr1724Ser (NM_001100112.2); short protein forms T1724S.
Identifiers: ClinVar variation 944178 (VCV000944178.13), dbSNP rs202050465, ClinGen allele CA8390481.